The following is an entry in ClinVar:

ClinVar aggregate classification (germline): Uncertain significance. Review status: criteria provided, single submitter (1 of 4 stars). 2 submissions from 2 submitters: Uncertain significance (1). 1 of the submissions does not count toward it. Last evaluated 2021-08-13.

Conditions:
Glycogen storage disease, type VII (GSD7). Also called: PFKM DEFICIENCY; TARUI DISEASE; GSD VII; MUSCLE PHOSPHOFRUCTOKINASE DEFICIENCY. Identifiers: Orphanet 371, MedGen C0017926, MONDO:0009295, OMIM 232800.

Allele frequency attached by ClinVar (database versions not stated): gnomAD exomes below 0.00001; gnomAD 0.00001; TOPMed 0.00001.
gnomAD v4.1: 4 of 1,610,542 alleles (0.00025%); highest among the groups gnomAD compares: African/African-American, 0.0053%; no homozygotes.

Submissions (2):

Labcorp Genetics (formerly Invitae), Labcorp
Classification: Uncertain significance for Glycogen storage disease, type VII. Last evaluated: 2021-08-13. Review status: criteria provided, single submitter. Criteria: Invitae Variant Classification Sherloc (09022015). Collection method: clinical testing. Allele origin: germline.
Comment: This sequence change replaces leucine with proline at codon 312 of the PFKM protein (p.Leu312Pro). The leucine residue is highly conserved and there is a moderate physicochemical difference between leucine and proline. This variant is not present in population databases (ExAC no frequency). This missense change has been observed in individual(s) with clinical features of PFKM-related conditions (Invitae). Algorithms developed to predict the effect of missense changes on protein structure and function are either unavailable or do not agree on the potential impact of this missense change (SIFT: "Deleterious"; PolyPhen-2: "Probably Damaging"; Align-GVGD: "Class C0"). In summary, the available evidence is currently insufficient to determine the role of this variant in disease. Therefore, it has been classified as a Variant of Uncertain Significance.

Natera, Inc.
Classification: Uncertain significance for Glycogen storage disease type VII. Last evaluated: 2021-10-05. Review status: no assertion criteria provided. Collection method: clinical testing. Allele origin: germline. Not counted in ClinVar's aggregate classification.

NM_000289.6(PFKM):c.935T>C (p.Leu312Pro)

Gene: PFKM (phosphofructokinase, muscle; plus strand). Cytogenetic location: 12q13.11.
Variant type: single nucleotide variant.
Coding change: c.935T>C on transcript NM_000289.6 (MANE Select); coding-DNA position 935, T replaced by C.
Protein change: p.Leu312Pro; replaces leucine 312 with proline.
Molecular consequence: missense variant. On other transcripts: non-coding transcript variant (6), intron variant (1).
Genome position (GRCh38, 1-based): chr12:48,135,382, T>C. VCF-style: chr12-48135382-T-C. GRCh37 (hg19) VCF-style: chr12-48529165-T-C.
Other names: c.1148T>C, p.Leu383Pro (NM_001166686.2, NM_001354737.1, NM_001354738.1 and 1 more transcripts); c.935T>C, p.Leu312Pro (NM_001166687.2, NM_001166688.2, NM_001354742.2 and 3 more transcripts); c.1244T>C, p.Leu415Pro (NM_001354735.1, NM_001354736.1); c.1079T>C, p.Leu360Pro (NM_001354740.1); c.959T>C, p.Leu320Pro (NM_001354741.2); c.848T>C, p.Leu283Pro (NM_001354745.2); c.785T>C, p.Leu262Pro (NM_001354747.2, NM_001354748.2); c.843+344T>C (NM_001363619.2); short protein forms L312P, L320P, L383P, L415P, L360P, L262P, L283P.
Identifiers: ClinVar variation 851666 (VCV000851666.10), dbSNP rs1251670627, ClinGen allele CA384545969.